The following is an entry in ClinVar:

NM_001356.5(DDX3X):c.402T>A (p.Asp134Glu)

Gene: DDX3X (DEAD-box helicase 3 X-linked; plus strand). Cytogenetic location: Xp11.4.
Variant type: single nucleotide variant.
Coding change: c.402T>A on transcript NM_001356.5 (MANE Select); coding-DNA position 402, T replaced by A.
Protein change: p.Asp134Glu; replaces aspartic acid 134 with glutamic acid.
Molecular consequence: missense variant. On other transcripts: 5 prime UTR variant (1), non-coding transcript variant (1).
Genome position (GRCh38, 1-based): chrX:41,342,612, T>A. VCF-style: chrX-41342612-T-A. GRCh37 (hg19) VCF-style: chrX-41201865-T-A.
Other names: c.402T>A, p.Asp134Glu (NM_001193416.3); c.354T>A, p.Asp118Glu (NM_001193417.3); c.-157T>A (NM_001363819.1); short protein forms D118E, D134E.
Identifiers: ClinVar variation 1309516 (VCV001309516.2), dbSNP rs2147350596, ClinGen allele CA412766436.

ClinVar aggregate classification (germline): Uncertain significance (1 of 4 stars; one submission).

Submission:

GeneDx
Classification: Uncertain significance. Last evaluated: 2019-10-17. Review status: criteria provided, single submitter. Criteria: GeneDx Variant Classification Process June 2021. Collection method: clinical testing. Allele origin: germline. Affected: yes.
Comment: Not observed in large population cohorts (Lek et al., 2016); In silico analysis, which includes protein predictors and evolutionary conservation, supports that this variant does not alter protein structure/function; Has not been previously published as pathogenic or benign to our knowledge